The following is an entry in ClinVar:

NM_001195263.2(PDZD7):c.-165-311A>G

Gene: PDZD7 (PDZ domain containing 7; minus strand). Cytogenetic location: 10q24.31.
Variant type: single nucleotide variant.
Coding change: c.-165-311A>G on transcript NM_001195263.2 (MANE Select); 311 bases into the intron before 165 bases upstream of the start codon, A replaced by G.
Molecular consequence: intron variant.
Genome position (GRCh38, 1-based): chr10:101,030,695, T>C on the plus strand (A>G on the coding strand, the complement: PDZD7 is on the minus strand). VCF-style: chr10-101030695-T-C. GRCh37 (hg19) VCF-style: chr10-102790452-T-C.
Other names: c.-165-311A>G (NM_024895.5, NM_001351044.2).
Identifiers: ClinVar variation 683835 (VCV000683835.1), dbSNP rs4919512, ClinGen allele CA15633142.

ClinVar aggregate classification (germline): Benign (1 of 4 stars; one submission).

Allele frequency attached by ClinVar (database versions not stated): 1000 Genomes Project 30x 0.43395; 1000 Genomes Project 0.43810; TOPMed 0.49738; gnomAD 0.51326 and 0.51433; gnomAD exomes 0.58593.
gnomAD v4.1: 155,697 of 283,690 alleles (55%); highest among the groups gnomAD compares: Non-Finnish European, 64%; 46,163 homozygotes.

Submission:

GeneDx
Classification: Benign. Last evaluated: 2018-06-14. Review status: criteria provided, single submitter. Criteria: GeneDx Variant Classification (06012015). Collection method: clinical testing. Allele origin: germline. Affected: yes.
Comment: This variant is considered likely benign or benign based on one or more of the following criteria: it is a conservative change, it occurs at a poorly conserved position in the protein, it is predicted to be benign by multiple in silico algorithms, and/or has population frequency not consistent with disease.